The following is an entry in ClinVar:

NM_025137.4(SPG11):c.6205+6C>T

Gene: SPG11 (SPG11 vesicle trafficking associated, spatacsin; minus strand). Cytogenetic location: 15q21.1.
Variant type: single nucleotide variant.
Coding change: c.6205+6C>T on transcript NM_025137.4 (MANE Select); 6 bases into the intron after coding-DNA position 6205, C replaced by T.
Molecular consequence: intron variant.
Genome position (GRCh38, 1-based): chr15:44,573,541, G>A on the plus strand (C>T on the coding strand, the complement: SPG11 is on the minus strand). VCF-style: chr15-44573541-G-A. GRCh37 (hg19) VCF-style: chr15-44865739-G-A.
Other names: c.5867-721C>T (NM_001160227.2).
Identifiers: ClinVar variation 641249 (VCV000641249.8), dbSNP rs1595828225, ClinGen allele CA915946562.
Genomic context (GRCh38, chr15:44,573,541, plus strand): 5'-AATCCTTAACACTGGGAACTAGAGAATGCTGTCAGAGAGGTTGGGAATCCCCGGGGGGTA[G>A]GGCACCTGTTCCCTGTGATGAAGTAAGCAGCTCCCGTGTCACCTCTTCTGCCACGAGTTC-3'

ClinVar aggregate classification (germline): Uncertain significance (1 of 4 stars; one submission).

Conditions:
Hereditary spastic paraplegia 11. Also called: SPASTIC PARAPLEGIA, AUTOSOMAL RECESSIVE, COMPLICATED, WITH THIN CORPUS CALLOSUM; SPASTIC PARAPLEGIA, AUTOSOMAL RECESSIVE, WITH MENTAL IMPAIRMENT AND THIN CORPUS CALLOSUM; Spastic Paraplegia 11; Nakamura Osame syndrome; Autosomal recessive hereditary spastic paraplegia, mental impairment, and thin corpus callosum; Spastic paraplegia, mental retardation and thin corpus callosum. Identifiers: Orphanet 2822, MedGen C1858479, MONDO:0011445, OMIM 604360.

Submission:

Labcorp Genetics (formerly Invitae), Labcorp
Classification: Uncertain significance for Hereditary spastic paraplegia 11. Last evaluated: 2018-10-29. Review status: criteria provided, single submitter. Criteria: Invitae Variant Classification Sherloc (09022015). Collection method: clinical testing. Allele origin: germline.
Comment: In summary, the available evidence is currently insufficient to determine the role of this variant in disease. Therefore, it has been classified as a Variant of Uncertain Significance. Nucleotide substitutions within the consensus splice site are a relatively common cause of aberrant splicing (PMID: 17576681, 9536098). Algorithms developed to predict the effect of sequence changes on RNA splicing suggest that this variant is not likely to affect RNA splicing, but this prediction has not been confirmed by published transcriptional studies. This variant has not been reported in the literature in individuals with SPG11-related disease. This variant is not present in population databases (ExAC no frequency). This sequence change falls in intron 32 of the SPG11 gene. It does not directly change the encoded amino acid sequence of the SPG11 protein, but it affects a nucleotide within the consensus splice site of the intron.

Literature cited by the submitters: PubMed 17576681; PubMed 9536098.